The following is an entry in ClinVar:

NM_001142864.4(PIEZO1):c.5491C>A (p.Pro1831Thr)

Gene: PIEZO1 (piezo type mechanosensitive ion channel component 1 (Er blood group); minus strand). Cytogenetic location: 16q24.3.
Variant type: single nucleotide variant.
Coding change: c.5491C>A on transcript NM_001142864.4 (MANE Select); coding-DNA position 5491, C replaced by A.
Protein change: p.Pro1831Thr; replaces proline 1831 with threonine.
Molecular consequence: missense variant.
Genome position (GRCh38, 1-based): chr16:88,721,343, G>T on the plus strand (C>A on the coding strand, the complement: PIEZO1 is on the minus strand). VCF-style: chr16-88721343-G-T. GRCh37 (hg19) VCF-style: chr16-88787751-G-T.
Other names: short protein forms P1831T.
Identifiers: ClinVar variation 4994403 (VCV004994403.1).

ClinVar aggregate classification (germline): Uncertain significance (1 of 4 stars; one submission).

Conditions:
PIEZO1-related disorder. Also called: PIEZO1-Related Disorders; PIEZO1-related condition.

gnomAD v4.1: 4 of 1,547,950 alleles (0.00026%); highest among the groups gnomAD compares: African/African-American, 0.0027%; no homozygotes.

Submission:

PreventionGenetics, part of Exact Sciences
Classification: Uncertain significance for PIEZO1-related condition. Last evaluated: 2026-07-05. Review status: criteria provided, single submitter. Criteria: ACMG Guidelines, 2015. Collection method: clinical testing. Allele origin: germline.
Comment: The PIEZO1 c.5491C>A variant is predicted to result in the amino acid substitution p.Pro1831Thr. To our knowledge, this variant has not been reported in the literature. This variant is reported in 0.011% of alleles in individuals of African descent in gnomAD. At this time, the clinical significance of this variant is uncertain due to the absence of conclusive functional and genetic evidence.